The following is an entry in ClinVar:

NM_000392.5(ABCC2):c.4507_4508+2del

Gene: ABCC2 (ATP binding cassette subfamily C member 2; plus strand). Cytogenetic location: 10q24.2.
Variant type: Deletion.
Coding change: c.4507_4508+2del on transcript NM_000392.5 (MANE Select); coding-DNA position 4507 through the canonical splice donor site of the intron after coding-DNA position 4508, 4 bases deleted (AAGT; older notation c.4507_4508+2delAAGT).
Molecular consequence: splice donor variant.
Genome position (GRCh38, 1-based): chr10:99,850,795-99,850,798, AAGT deleted. VCF-style (leftmost placement, unchanged base first): chr10-99850794-CAAGT-C. GRCh37 (hg19) VCF-style: chr10-101610551-CAAGT-C.
Other names: c.4507_4508+2del (LRG_1208t1).
Identifiers: ClinVar variation 593739 (VCV000593739.8), dbSNP rs758461922, ClinGen allele CA5644155.

ClinVar aggregate classification (germline): Uncertain significance. Review status: criteria provided, multiple submitters, no conflicts (2 of 4 stars). 3 submissions from 3 submitters: Uncertain significance (3). Last evaluated 2025-10-06.

Conditions:
Dubin-Johnson syndrome (DJS). Also called: HYPERBILIRUBINEMIA, DUBIN-JOHNSON TYPE; Jaundice, Chronic Idiopathic; Hyperbilirubinemia type 2. Identifiers: Orphanet 234, MedGen C0022350, MONDO:0009380, OMIM 237500.

Allele frequency attached by ClinVar (database versions not stated): gnomAD exomes 0.00001 and 0.00006; TOPMed 0.00002; ExAC 0.00005.

Submissions (3):

Labcorp Genetics (formerly Invitae), Labcorp
Classification: Uncertain significance. Last evaluated: 2025-10-06. Review status: criteria provided, single submitter. Criteria: Invitae Variant Classification Sherloc (09022015). Collection method: clinical testing. Allele origin: germline.
Comment: This variant results in the deletion of part of exon 31 (c.4507_4508+2del) of the ABCC2 gene. While this variant is not anticipated to result in nonsense mediated decay, it likely alters RNA splicing and results in a disrupted protein product. This variant is present in population databases (rs758461922, gnomAD 0.03%). This variant has not been reported in the literature in individuals affected with ABCC2-related conditions. ClinVar contains an entry for this variant (Variation ID: 593739). Variants that disrupt the consensus splice site are a relatively common cause of aberrant splicing (PMID: 17576681, 9536098). In summary, the available evidence is currently insufficient to determine the role of this variant in disease. Therefore, it has been classified as a Variant of Uncertain Significance.

Eurofins Ntd Llc (ga)
Classification: Uncertain significance. Last evaluated: 2017-08-21. Review status: criteria provided, single submitter. Criteria: EGL Classification Definitions 2015. Collection method: clinical testing. Allele origin: germline. Observed: 1 variant allele, 1 heterozygote.

Juno Genomics, Hangzhou Juno Genomics, Inc
Classification: Uncertain significance for Dubin-Johnson syndrome. Review status: criteria provided, single submitter. Criteria: ACMG Guidelines, 2015. Collection method: clinical testing. Allele origin: germline. Affected: yes.
Comment: Null variant in a gene where loss of function (LOF) is a known mechanism of disease.;Absent from controls (or at extremely low frequency if recessive) in Genome Aggregation Database, Exome Sequencing Project, 1000 Genomes Project, or Exome Aggregation Consortium.;Patient's phenotype or family history is highly specific for a disease with a single genetic etiology.;For recessive disorders, detected in trans with a pathogenic variant.

Literature cited by the submitters: PubMed 17576681 (cited by Labcorp Genetics (formerly Invitae), Labcorp); PubMed 9536098 (cited by Labcorp Genetics (formerly Invitae), Labcorp).